The following is an entry in ClinVar:

NM_012301.4(MAGI2):c.1777A>G (p.Met593Val)

Gene: MAGI2 (membrane associated guanylate kinase, WW and PDZ domain containing 2; minus strand). Cytogenetic location: 7q21.11.
Variant type: single nucleotide variant.
Coding change: c.1777A>G on transcript NM_012301.4 (MANE Select); coding-DNA position 1777, A replaced by G.
Protein change: p.Met593Val; replaces methionine 593 with valine.
Molecular consequence: missense variant.
Genome position (GRCh38, 1-based): chr7:78,256,213, T>C on the plus strand (A>G on the coding strand, the complement: MAGI2 is on the minus strand). VCF-style: chr7-78256213-T-C. GRCh37 (hg19) VCF-style: chr7-77885530-T-C.
Other names: c.1777A>G, p.Met593Val (NM_001301128.2); short protein forms M593V.
Identifiers: ClinVar variation 626133 (VCV000626133.4), dbSNP rs745364999, ClinGen allele CA4313949.

ClinVar aggregate classification (germline): Uncertain significance. Review status: criteria provided, multiple submitters, no conflicts (2 of 4 stars). 2 submissions from 2 submitters: Uncertain significance (2). Last evaluated 2024-03-08.

Conditions:
Nephrotic syndrome 15. Identifiers: MedGen C4539896, MONDO:0033262, OMIM 617609.

Allele frequency attached by ClinVar (database versions not stated): ExAC 0.00001; gnomAD exomes 0.00004; TOPMed 0.00006; gnomAD 0.00008 and 0.00009.
gnomAD v4.1: 80 of 1,613,914 alleles (0.005%); highest among the groups gnomAD compares: Middle Eastern, 0.016%; no homozygotes.

Submissions (2):

Fulgent Genetics
Classification: Uncertain significance for Nephrotic syndrome 15. Last evaluated: 2024-03-08. Review status: criteria provided, single submitter. Criteria: ACMG Guidelines, 2015. Collection method: clinical testing. Allele origin: germline.

Center for Genomics, Ann and Robert H. Lurie Children's Hospital of Chicago
Classification: Uncertain significance for Nephrotic syndrome 15. Last evaluated: 2021-03-30. Review status: criteria provided, single submitter. Criteria: ACMG Guidelines, 2015. Collection method: clinical testing. Allele origin: germline.
Comment: MAGI2 NM_012301.3 exon 10 p.Met593Val (c.1777A>G): This variant has not been reported in the literature but is present in 9/126082 European alleles in the Genome Aggregation Database. Evolutionary conservation and computational predictive tools for this variant are unclear. In summary, data on this variant is insufficient for disease classification. Therefore, the clinical significance of this variant is uncertain.